The following is an entry in ClinVar:

ClinVar aggregate classification (germline): Uncertain significance. Review status: criteria provided, multiple submitters, no conflicts (2 of 4 stars). 2 submissions from 2 submitters: Uncertain significance (2). Last evaluated 2025-03-20.

Conditions:
MAGEL2-related disorder. Also called: MAGEL2-related condition.

Allele frequency attached by ClinVar (database versions not stated): gnomAD 0.00001; gnomAD exomes 0.00001.
gnomAD v4.1: 7 of 1,370,098 alleles (0.00051%); highest among the groups gnomAD compares: South Asian, 0.0054%; no homozygotes.

Submissions (2):

PreventionGenetics, part of Exact Sciences
Classification: Uncertain significance for MAGEL2-related condition. Last evaluated: 2025-03-20. Review status: criteria provided, single submitter. Criteria: ACMG Guidelines, 2015. Collection method: clinical testing. Allele origin: germline.
Comment: The MAGEL2 c.1438C>T variant is predicted to result in the amino acid substitution p.Arg480Cys. To our knowledge, this variant has not been reported in the literature or in a large population database (gnomAD), indicating this variant is rare. At this time, the clinical significance of this variant is uncertain due to the absence of conclusive functional and genetic evidence.

Labcorp Genetics (formerly Invitae), Labcorp
Classification: Uncertain significance. Last evaluated: 2023-04-13. Review status: criteria provided, single submitter. Criteria: Invitae Variant Classification Sherloc (09022015). Collection method: clinical testing. Allele origin: germline.
Comment: In summary, the available evidence is currently insufficient to determine the role of this variant in disease. Therefore, it has been classified as a Variant of Uncertain Significance. Experimental studies and prediction algorithms are not available or were not evaluated, and the functional significance of this variant is currently unknown. This variant has not been reported in the literature in individuals affected with MAGEL2-related conditions. This variant is not present in population databases (gnomAD no frequency). This sequence change replaces arginine, which is basic and polar, with cysteine, which is neutral and slightly polar, at codon 480 of the MAGEL2 protein (p.Arg480Cys).

NM_019066.5(MAGEL2):c.1438C>T (p.Arg480Cys)

Gene: MAGEL2 (MAGE family member L2; minus strand). Cytogenetic location: 15q11.2.
Variant type: single nucleotide variant.
Coding change: c.1438C>T on transcript NM_019066.5 (MANE Select); coding-DNA position 1438, C replaced by T.
Protein change: p.Arg480Cys; replaces arginine 480 with cysteine.
Molecular consequence: missense variant.
Genome position (GRCh38, 1-based): chr15:23,646,305, G>A on the plus strand (C>T on the coding strand, the complement: MAGEL2 is on the minus strand). VCF-style: chr15-23646305-G-A. GRCh37 (hg19) VCF-style: chr15-23891452-G-A.
Other names: c.1438C>T (NM_019066.4); short protein forms R480C.
Identifiers: ClinVar variation 2885284 (VCV002885284.4), dbSNP rs1890401496, ClinGen allele CA391334045.
Genomic context (GRCh38, chr15:23,646,305, plus strand): 5'-TGGGCGGCGGCGCCTGGCGGATCAGCGGCGGGGCCTGGCGGATCACAGGTGGAGCCTGGC[G>A]GATCACAGGTGGGGCCTGGCGGATCACAGGTGGGGCCTGGCGGATCACAGCGGGGGCCTG-3'
Protein context (NP_061939.3, residues 470-490): PVIRQAPPVI[Arg480Cys]QAPPVIRQAP